The following is an entry in ClinVar:

ClinVar aggregate classification (germline): Benign/Likely benign. Review status: criteria provided, multiple submitters, no conflicts (2 of 4 stars). 6 submissions from 6 submitters: Benign (1); Likely benign (5). Last evaluated 2026-01-31.

Conditions:
Familial temporal lobe epilepsy 7. Identifiers: Orphanet 101046, MedGen C4225327, MONDO:0014639, OMIM 616436.
Norman-Roberts syndrome (LIS2). Also called: Lissencephaly 2 (Norman-Roberts type). Identifiers: Orphanet 89844, MedGen C0796089, MONDO:0009760, OMIM 257320.

Allele frequency attached by ClinVar (database versions not stated): gnomAD exomes 0.00014 and 0.00036; ExAC 0.00063; 1000 Genomes Project 30x 0.00109; 1000 Genomes Project 0.00140; gnomAD 0.00163 and 0.00174; TOPMed 0.00179; ESP Exome Variant Server 0.00215.
gnomAD v4.1: 414 of 1,289,574 alleles (0.032%); highest among the groups gnomAD compares: African/African-American, 0.53%; 4 homozygotes.

Submissions (6):

Labcorp Genetics (formerly Invitae), Labcorp
Classification: Benign for Familial temporal lobe epilepsy 7; Norman-Roberts syndrome. Last evaluated: 2026-01-31. Review status: criteria provided, single submitter. Criteria: Invitae Variant Classification Sherloc (09022015). Collection method: clinical testing. Allele origin: germline.

Women's Health and Genetics/Laboratory Corporation of America, LabCorp
Classification: Likely benign. Last evaluated: 2025-07-21. Review status: criteria provided, single submitter. Criteria: LabCorp Variant Classification Summary - May 2015. Collection method: clinical testing. Allele origin: germline.

Blueprint Genetics
Classification: Likely benign. Last evaluated: 2024-11-05. Review status: criteria provided, single submitter. Criteria: ACMG Guidelines, 2015. Collection method: clinical testing. Allele origin: germline.

Illumina Laboratory Services, Illumina
Classification: Likely benign for Norman-Roberts syndrome. Last evaluated: 2018-01-13. Review status: criteria provided, single submitter. Criteria: ICSL Variant Classification Criteria 13 December 2019. Collection method: clinical testing. Allele origin: germline.
Comment: This variant was observed in the ICSL laboratory as part of a predisposition screen in an ostensibly healthy population. It had not been previously curated by ICSL or reported in the Human Gene Mutation Database (HGMD: prior to June 1st, 2018), and was therefore a candidate for classification through an automated scoring system. Utilizing variant allele frequency, disease prevalence and penetrance estimates, and inheritance mode, an automated score was calculated to assess if this variant is too frequent to cause the disease. Based on the score and internal cut-off values, a variant classified as likely benign is not then subjected to further curation. The score for this variant resulted in a classification of likely benign for this disease.

GeneDx
Classification: Likely benign. Last evaluated: 2016-10-06. Review status: criteria provided, single submitter. Criteria: GeneDx Variant Classification (06012015). Collection method: clinical testing. Allele origin: germline. Affected: yes.
Comment: This variant is considered likely benign or benign based on one or more of the following criteria: it is a conservative change, it occurs at a poorly conserved position in the protein, it is predicted to be benign by multiple in silico algorithms, and/or has population frequency not consistent with disease.

Breakthrough Genomics
Classification: Likely benign. Review status: criteria provided, single submitter. Criteria: ACMG Guidelines, 2015. Collection method: not provided. Allele origin: germline. Inheritance: Autosomal recessive inheritance. Affected: yes.

NM_005045.4(RELN):c.3008+11A>G

Gene: RELN (reelin; minus strand). Cytogenetic location: 7q22.1.
Variant type: single nucleotide variant.
Coding change: c.3008+11A>G on transcript NM_005045.4 (MANE Select); 11 bases into the intron after coding-DNA position 3008, A replaced by G.
Molecular consequence: intron variant.
Genome position (GRCh38, 1-based): chr7:103,610,684, T>C on the plus strand (A>G on the coding strand, the complement: RELN is on the minus strand). VCF-style: chr7-103610684-T-C. GRCh37 (hg19) VCF-style: chr7-103251131-T-C.
Other names: c.3008+11A>G (NM_173054.3).
Identifiers: ClinVar variation 378477 (VCV000378477.15), dbSNP rs186983114, ClinGen allele CA4421887.